The following is an entry in ClinVar:

NM_000540.3(RYR1):c.2278G>A (p.Gly760Ser)

Gene: RYR1 (ryanodine receptor 1; plus strand). Cytogenetic location: 19q13.2.
Variant type: single nucleotide variant.
Coding change: c.2278G>A on transcript NM_000540.3 (MANE Select); coding-DNA position 2278, G replaced by A.
Protein change: p.Gly760Ser; replaces glycine 760 with serine.
Molecular consequence: missense variant.
Genome position (GRCh38, 1-based): chr19:38,459,256, G>A. VCF-style: chr19-38459256-G-A. GRCh37 (hg19) VCF-style: chr19-38949896-G-A.
Other names: c.2278G>A, p.Gly760Ser (NM_001042723.2); short protein forms G760S.
Identifiers: ClinVar variation 935062 (VCV000935062.13), dbSNP rs778783052, ClinGen allele CA063071.

ClinVar aggregate classification (germline): Uncertain significance. Review status: criteria provided, multiple submitters, no conflicts (2 of 4 stars). 6 submissions from 6 submitters: Uncertain significance (6). Last evaluated 2025-06-09.

Conditions:
RYR1-related disorder. Also called: RYR1-related condition; RYR1-related disorders. Identifiers: MedGen CN239331.
Malignant hyperthermia, susceptibility to, 1 (MHS1). Also called: Malignant hyperthermia suceptibility 1; RYR1-Related Malignant Hyperthermia Susceptibility; Anesthesia related hyperthermia; Malignant hyperpyrexia; Fulminating hyperpyrexia; Pharmacogenic myopathy. Identifiers: Orphanet 423, MedGen C2930980, MONDO:0007783, OMIM 145600.
Inborn genetic diseases. Identifiers: MedGen C0950123, MeSH D030342.

Allele frequency attached by ClinVar (database versions not stated): ExAC 0.00001; gnomAD 0.00001; gnomAD exomes 0.00001 and 0.00002; TOPMed 0.00002.
gnomAD v4.1: 16 of 1,613,924 alleles (0.00099%); highest among the groups gnomAD compares: Admixed American, 0.0017%; no homozygotes.

Submissions (6):

Color Diagnostics, LLC DBA Color Health
Classification: Uncertain significance for Malignant hyperthermia, susceptibility to, 1. Last evaluated: 2025-06-09. Review status: criteria provided, single submitter. Criteria: ACMG Guidelines, 2015. Collection method: clinical testing. Allele origin: germline.
Comment: This missense variant replaces glycine with serine at codon 760 of the RYR1 protein. Computational prediction suggests that this variant may have deleterious impact on protein structure and function. To our knowledge, functional studies have not been reported for this variant. This variant has not been reported in individuals affected with RYR1-related disorders in the literature. This variant has been identified in 4/251460 chromosomes in the general population by the Genome Aggregation Database (gnomAD). The available evidence is insufficient to determine the role of this variant in disease conclusively. Therefore, this variant is classified as a Variant of Uncertain Significance.

Ambry Genetics
Classification: Uncertain significance for Inborn genetic diseases. Last evaluated: 2025-01-04. Review status: criteria provided, single submitter. Criteria: Ambry Variant Classification Scheme 2023. Collection method: clinical testing. Allele origin: germline.

Labcorp Genetics (formerly Invitae), Labcorp
Classification: Uncertain significance for RYR1-related disorder. Last evaluated: 2024-08-29. Review status: criteria provided, single submitter. Criteria: Invitae Variant Classification Sherloc (09022015). Collection method: clinical testing. Allele origin: germline.
Comment: This sequence change replaces glycine, which is neutral and non-polar, with serine, which is neutral and polar, at codon 760 of the RYR1 protein (p.Gly760Ser). This variant is present in population databases (rs778783052, gnomAD 0.003%). This variant has not been reported in the literature in individuals affected with RYR1-related conditions. ClinVar contains an entry for this variant (Variation ID: 935062). Invitae Evidence Modeling of protein sequence and biophysical properties (such as structural, functional, and spatial information, amino acid conservation, physicochemical variation, residue mobility, and thermodynamic stability) indicates that this missense variant is expected to disrupt RYR1 protein function with a positive predictive value of 95%. In summary, the available evidence is currently insufficient to determine the role of this variant in disease. Therefore, it has been classified as a Variant of Uncertain Significance.

Blueprint Genetics
Classification: Uncertain significance. Last evaluated: 2023-05-29. Review status: criteria provided, single submitter. Criteria: ACMG Guidelines, 2015. Collection method: clinical testing. Allele origin: germline.

All of Us Research Program, National Institutes of Health
Classification: Uncertain significance for Malignant hyperthermia, susceptibility to, 1. Last evaluated: 2023-05-16. Review status: criteria provided, single submitter. Criteria: ACMG Guidelines, 2015. Collection method: clinical testing. Allele origin: germline. Inheritance: Autosomal dominant inheritance. Observed: 4 variant alleles, 4 heterozygotes.
Comment: This missense variant replaces glycine with serine at codon 760 of the RYR1 protein. Computational prediction suggests that this variant may have deleterious impact on protein structure and function (internally defined REVEL score threshold >= 0.7, PMID: 27666373). To our knowledge, functional studies have not been reported for this variant. This variant has not been reported in individuals affected with RYR1-related disorders in the literature. This variant has been identified in 4/251460 chromosomes in the general population by the Genome Aggregation Database (gnomAD). The available evidence is insufficient to determine the role of this variant in disease conclusively. Therefore, this variant is classified as a Variant of Uncertain Significance.

This study involves interpretation of variants in research participants for the purpose of population health screening. Participant phenotype was not available at the time of variant classification. Additional details can be found in publication PMID: 35346344, PMCID: PMC8962531

Revvity Omics, Revvity
Classification: Uncertain significance. Last evaluated: 2021-06-10. Review status: criteria provided, single submitter. Criteria: ACMG Guidelines, 2015. Collection method: clinical testing. Allele origin: germline.